The following is an entry in ClinVar:

ClinVar aggregate classification (germline): Conflicting classifications of pathogenicity. Review status: criteria provided, conflicting classifications (1 of 4 stars). 3 submissions from 3 submitters: Uncertain significance (2); Likely benign (1). Last evaluated 2022-03-01.

Conditions:
Progressive myoclonic epilepsy type 6. Identifiers: Orphanet 280620, MedGen C5190805, MONDO:0013526, OMIM 614018.
Progressive myoclonic epilepsy. Also called: Myoclonic Epilepsies, Progressive; Familial progressive myoclonic epilepsy; Progressive myoclonus epilepsy; Myoclonus epilepsy. Identifiers: Orphanet 308, Orphanet 98261, MedGen C0751778, MONDO:0020074.

Allele frequency attached by ClinVar (database versions not stated): TOPMed 0.00001; gnomAD 0.00002; ExAC 0.00005.
gnomAD v4.1: 3 of 1,550,696 alleles (0.00019%); highest among the groups gnomAD compares: Non-Finnish European, 0.00026%; no homozygotes.

Submissions (3):

Labcorp Genetics (formerly Invitae), Labcorp
Classification: Uncertain significance for Progressive myoclonic epilepsy. Last evaluated: 2022-03-01. Review status: criteria provided, single submitter. Criteria: Invitae Variant Classification Sherloc (09022015). Collection method: clinical testing. Allele origin: germline.
Comment: This sequence change falls in intron 1 of the GOSR2 gene. It does not directly change the encoded amino acid sequence of the GOSR2 protein. This variant is present in population databases (rs747791818, gnomAD 0.001%). This variant has not been reported in the literature in individuals affected with GOSR2-related conditions. ClinVar contains an entry for this variant (Variation ID: 323821). Algorithms developed to predict the effect of sequence changes on RNA splicing suggest that this variant may disrupt the consensus splice site. In summary, the available evidence is currently insufficient to determine the role of this variant in disease. Therefore, it has been classified as a Variant of Uncertain Significance.

Illumina Laboratory Services, Illumina
Classification: Uncertain significance for Progressive myoclonic epilepsy type 6. Last evaluated: 2018-01-13. Review status: criteria provided, single submitter. Criteria: ICSL Variant Classification Criteria 13 December 2019. Collection method: clinical testing. Allele origin: germline.

GeneDx
Classification: Likely benign. Last evaluated: 2016-01-22. Review status: criteria provided, single submitter. Criteria: GeneDx Variant Classification (06012015). Collection method: clinical testing. Allele origin: germline. Affected: yes.
Comment: This variant is considered likely benign or benign based on one or more of the following criteria: it is a conservative change, it occurs at a poorly conserved position in the protein, it is predicted to be benign by multiple in silico algorithms, and/or has population frequency not consistent with disease.

NM_004287.5(GOSR2):c.29+13C>T

Genes: GOSR2 (golgi SNAP receptor complex member 2; plus strand), LRRC37A2 (leucine rich repeat containing 37 member A2). Cytogenetic location: 17q21.32.
Variant type: single nucleotide variant.
Coding change: c.29+13C>T on transcript NM_004287.5 (MANE Select); 13 bases into the intron after coding-DNA position 29, C replaced by T.
Molecular consequence: intron variant. On other transcripts: 5 prime UTR variant (2).
Genome position (GRCh38, 1-based): chr17:46,923,234, C>T. VCF-style: chr17-46923234-C-T. GRCh37 (hg19) VCF-style: chr17-45000600-C-T.
Other names: c.-61C>T (NM_001321134.2); c.-424C>T (NM_001363851.2); c.29+13C>T (NM_001321133.2, NM_054022.4, NM_001330252.2 and 4 more transcripts).
Identifiers: ClinVar variation 323821 (VCV000323821.6), dbSNP rs747791818, ClinGen allele CA8621104.
Genomic context (GRCh38, chr17:46,923,234, plus strand): 5'-GGCCTGCGGGGCCGGCGACATGGATCCCCTGTTCCAGCAAACGCACAAGTGAGGGCCGGT[C>T]GGGGAGCGGGCAGGGGCTAGACGAGGCGAGGCCAGGTGAGCCTGGCTTCTGGGGCTGAGG-3'